The following is an entry in ClinVar:

NM_197968.4(ZMYM2):c.2119+9C>T

Gene: ZMYM2 (zinc finger MYM-type containing 2; plus strand). Cytogenetic location: 13q12.11.
Variant type: single nucleotide variant.
Coding change: c.2119+9C>T on transcript NM_197968.4 (MANE Select); 9 bases into the intron after coding-DNA position 2119, C replaced by T.
Molecular consequence: intron variant.
Genome position (GRCh38, 1-based): chr13:20,034,413, C>T. VCF-style: chr13-20034413-C-T. GRCh37 (hg19) VCF-style: chr13-20608553-C-T.
Other names: c.1858+9C>T (NM_001353163.2); c.2119+9C>T (NM_001353157.2, NM_001353164.2, NM_001353159.2 and 5 more transcripts); c.1924+9C>T (NM_001353161.3).
Identifiers: ClinVar variation 4980295 (VCV004980295.1).

ClinVar aggregate classification (germline): Likely benign (1 of 4 stars; one submission).

Conditions:
ZMYM2-related disorder. Also called: ZMYM2-related condition.

gnomAD v4.1: 220 of 1,572,736 alleles (0.014%); highest among the groups gnomAD compares: Non-Finnish European, 0.018%; no homozygotes.

Submission:

PreventionGenetics, part of Exact Sciences
Classification: Likely benign for ZMYM2-related condition. Last evaluated: 2025-12-15. Review status: criteria provided, single submitter. Criteria: ACMG Guidelines, 2015. Collection method: clinical testing. Allele origin: germline.
Comment: This variant is classified as likely benign based on ACMG/AMP sequence variant interpretation guidelines (Richards et al. 2015 PMID: 25741868, with internal and published modifications).